The following is an entry in ClinVar:

ClinVar aggregate classification (germline): Likely pathogenic (1 of 4 stars; one submission).

Conditions:
Duchenne muscular dystrophy (DMD). Also called: MUSCULAR DYSTROPHY, PSEUDOHYPERTROPHIC PROGRESSIVE, DUCHENNE TYPE; Duchenne Muscular Dystrophy (DMD). Identifiers: Orphanet 98896, MedGen C0013264, MONDO:0010679, OMIM 310200.

Submission:

Labcorp Genetics (formerly Invitae), Labcorp
Classification: Likely pathogenic for Duchenne muscular dystrophy. Last evaluated: 2022-06-23. Review status: criteria provided, single submitter. Criteria: Invitae Variant Classification Sherloc (09022015). Collection method: clinical testing. Allele origin: unknown.
Comment: In summary, the currently available evidence indicates that the variant is pathogenic, but additional data are needed to prove that conclusively. Therefore, this variant has been classified as Likely Pathogenic. This variant has been observed in individual(s) with clinical features of dystrophinopathies (Invitae). This variant results in the deletion of part of exon 8 (c.649+20630_688del) of the DMD gene. It is expected to disrupt RNA splicing. Variants that disrupt the donor or acceptor splice site typically lead to a loss of protein function (PMID: 16199547), and loss-of-function variants in DMD are known to be pathogenic (PMID: 16770791, 25007885).

Literature cited by the submitters: PubMed 16199547; PubMed 16770791; PubMed 25007885.

NC_000023.10:g.(?_32717372)_(32806980_?)del

Gene: DMD (dystrophin; minus strand). Cytogenetic location: Xp21.1.
Variant type: Deletion.
Identifiers: ClinVar variation 3243494 (VCV003243494.1).